The following is an entry in ClinVar:

ClinVar aggregate classification (germline): Uncertain significance (1 of 4 stars; one submission).

Conditions:
Chédiak-Higashi syndrome (CHS). Also called: Chediak-Higashi Syndrome. Identifiers: Orphanet 167, MedGen C0007965, MONDO:0008963, OMIM 214500.

Allele frequency attached by ClinVar (database versions not stated): gnomAD exomes below 0.00001.
gnomAD v4.1: 2 of 1,613,986 alleles (0.00012%); highest among the groups gnomAD compares: Admixed American, 0.0017%; no homozygotes.

Submission:

Labcorp Genetics (formerly Invitae), Labcorp
Classification: Uncertain significance for Chédiak-Higashi syndrome. Last evaluated: 2025-09-21. Review status: criteria provided, single submitter. Criteria: Invitae Variant Classification Sherloc (09022015). Collection method: clinical testing. Allele origin: germline.
Comment: This sequence change replaces glutamine, which is neutral and polar, with arginine, which is basic and polar, at codon 527 of the LYST protein (p.Gln527Arg). This variant is not present in population databases (gnomAD no frequency). This variant has not been reported in the literature in individuals affected with LYST-related conditions. ClinVar contains an entry for this variant (Variation ID: 2192185). Invitae Evidence Modeling of protein sequence and biophysical properties (such as structural, functional, and spatial information, amino acid conservation, physicochemical variation, residue mobility, and thermodynamic stability) indicates that this missense variant is not expected to disrupt LYST protein function with a negative predictive value of 80%. In summary, the available evidence is currently insufficient to determine the role of this variant in disease. Therefore, it has been classified as a Variant of Uncertain Significance.

NM_000081.4(LYST):c.1580A>G (p.Gln527Arg)

Gene: LYST (lysosomal trafficking regulator; minus strand). Cytogenetic location: 1q42.3.
Variant type: single nucleotide variant.
Coding change: c.1580A>G on transcript NM_000081.4 (MANE Select); coding-DNA position 1580, A replaced by G.
Protein change: p.Gln527Arg; replaces glutamine 527 with arginine.
Molecular consequence: missense variant.
Genome position (GRCh38, 1-based): chr1:235,809,238, T>C on the plus strand (A>G on the coding strand, the complement: LYST is on the minus strand). VCF-style: chr1-235809238-T-C. GRCh37 (hg19) VCF-style: chr1-235972538-T-C.
Other names: c.1580A>G, p.Gln527Arg (NM_001301365.1); short protein forms Q527R.
Identifiers: ClinVar variation 2192185 (VCV002192185.4), dbSNP rs2527113459, ClinGen allele CA344962085.
Genomic context (GRCh38, chr1:235,809,238, plus strand): 5'-CACCGCTCAGGATAATAAACATCTCCATCTGCAGTCTCTTCAAATGGGTTTTTGGAAACC[T>C]GGTTTTTAAAAGCCGAAACCAGAAGACCTGAGAGATCTCGGTGATGATGCATAAAATGAG-3'
Protein context (NP_000072.2, residues 517-537): SGLLVSAFKN[Gln527Arg]VSKNPFEETA